The following is an entry in ClinVar:

NM_002875.5(RAD51):c.35A>G (p.Asp12Gly)

Gene: RAD51 (RAD51 recombinase; plus strand). Cytogenetic location: 15q15.1.
Variant type: single nucleotide variant.
Coding change: c.35A>G on transcript NM_002875.5 (MANE Select); coding-DNA position 35, A replaced by G.
Protein change: p.Asp12Gly; replaces aspartic acid 12 with glycine.
Molecular consequence: missense variant.
Genome position (GRCh38, 1-based): chr15:40,698,793, A>G. VCF-style: chr15-40698793-A-G. GRCh37 (hg19) VCF-style: chr15-40990991-A-G.
Other names: c.35A>G, p.Asp12Gly (NM_001164269.2, NM_001164270.2, NM_133487.4); short protein forms D12G.
Identifiers: ClinVar variation 2624692 (VCV002624692.2), dbSNP rs1246018948, ClinGen allele CA391744222.
Genomic context (GRCh38, chr15:40,698,793, plus strand): 5'-CTGATAAGCATTTGTATTTTTCAGTAATGGCAATGCAGATGCAGCTTGAAGCAAATGCAG[A>G]TACTTCAGTGGAAGAAGAAAGCTTTGGCCCACAACCCATTTCACGGTTAGAGGTATGTGG-3'
Protein context (NP_002866.2, residues 2-22): AMQMQLEANA[Asp12Gly]TSVEEESFGP

ClinVar aggregate classification (germline): Uncertain significance (1 of 4 stars; one submission).

Conditions:
Inborn genetic diseases. Identifiers: MedGen C0950123, MeSH D030342.

Allele frequency attached by ClinVar (database versions not stated): gnomAD exomes below 0.00001.

Submission:

Ambry Genetics
Classification: Uncertain significance for Inborn genetic diseases. Last evaluated: 2023-09-14. Review status: criteria provided, single submitter. Criteria: Ambry Variant Classification Scheme 2023. Collection method: clinical testing. Allele origin: germline.
Comment: The p.D12G variant (also known as c.35A>G), located in coding exon 1 of the RAD51 gene, results from an A to G substitution at nucleotide position 35. The aspartic acid at codon 12 is replaced by glycine, an amino acid with similar properties. This amino acid position is conserved. In addition, the in silico prediction for this alteration is inconclusive. Since supporting evidence is limited at this time, the clinical significance of this alteration remains unclear.